The following is an entry in ClinVar:

NM_001204424.2(RGS6):c.*3G>A

Gene: RGS6 (regulator of G protein signaling 6; plus strand). Cytogenetic location: 14q24.2.
Variant type: single nucleotide variant.
Coding change: c.*3G>A on transcript NM_001204424.2 (MANE Select); 3 bases downstream of the stop codon, G replaced by A.
Molecular consequence: 3 prime UTR variant. On other transcripts: missense variant (12), non-coding transcript variant (1), intron variant (5).
Genome position (GRCh38, 1-based): chr14:72,562,470, G>A. VCF-style: chr14-72562470-G-A. GRCh37 (hg19) VCF-style: chr14-73029178-G-A.
Other names: c.*3G>A (NM_001204416.3, NM_001204419.3, NM_001204420.3 and 9 more transcripts); c.1543G>A, p.Val515Ile (NM_001370270.1, NM_001370271.1, NM_001370272.1 and 4 more transcripts); c.*17G>A (NM_001370277.1); c.1627G>A, p.Val543Ile (NM_001370278.1); c.1534G>A, p.Val512Ile (NM_001370279.1); c.1501G>A, p.Val501Ile (NM_001370280.1); c.*68G>A (NM_001370282.1); c.1432G>A, p.Val478Ile (NM_001370283.1); and 7 more; short protein forms V445I, V478I, V501I, V512I, V515I, V543I.
Identifiers: ClinVar variation 1258962 (VCV001258962.3), dbSNP rs2074647, ClinGen allele CA7254309.
Genomic context (GRCh38, chr14:72,562,470, plus strand): 5'-TCTGCAGGGAAAGTCGCTGGCGGGCAAGCGCCTCACGGGCCTGATGCAGTCCTCCTGACC[G>A]TTCCTACCGCAGGTCCAGGGCCTGGGCCCGCGGACCCCACAGGCAGGCGGCGGCGCTCCA-3'

ClinVar aggregate classification (germline): Benign. Review status: criteria provided, multiple submitters, no conflicts (2 of 4 stars). 2 submissions from 2 submitters: Benign (2). Last evaluated 2018-04-16.

Allele frequency attached by ClinVar (database versions not stated): gnomAD 0.10109 and 0.10195; 1000 Genomes Project 0.10423; 1000 Genomes Project 30x 0.10447; TOPMed 0.10643; gnomAD exomes 0.08733 and 0.09018; ExAC 0.09288; ESP Exome Variant Server 0.10826.

Submissions (2):

GeneDx
Classification: Benign. Last evaluated: 2018-04-16. Review status: criteria provided, single submitter. Criteria: GeneDx Variant Classification Process June 2021. Collection method: clinical testing. Allele origin: germline. Affected: yes.
Comment: This variant is associated with the following publications: (PMID: 15375002)

Breakthrough Genomics
Classification: Benign. Review status: criteria provided, single submitter. Criteria: ACMG Guidelines, 2015. Collection method: not provided. Allele origin: germline. Inheritance: Unknown mechanism. Affected: yes.